The following is an entry in ClinVar:

NM_003060.4(SLC22A5):c.866G>A (p.Arg289Gln)

Gene: SLC22A5 (solute carrier family 22 member 5; plus strand). Cytogenetic location: 5q31.1.
Variant type: single nucleotide variant.
Coding change: c.866G>A on transcript NM_003060.4 (MANE Select); coding-DNA position 866, G replaced by A.
Protein change: p.Arg289Gln; replaces arginine 289 with glutamine.
Molecular consequence: missense variant.
Genome position (GRCh38, 1-based): chr5:132,387,066, G>A. VCF-style: chr5-132387066-G-A. GRCh37 (hg19) VCF-style: chr5-131722758-G-A.
Other names: p.Arg289Gln; c.938G>A, p.Arg313Gln (NM_001308122.2); short protein forms R289Q, R313Q.
Identifiers: ClinVar variation 1707683 (VCV001707683.4), dbSNP rs756260416, ClinGen allele CA312950.

ClinVar aggregate classification (germline): Uncertain significance. Review status: criteria provided, multiple submitters, no conflicts (2 of 4 stars). 2 submissions from 2 submitters: Uncertain significance (2). Last evaluated 2022-10-03.

Conditions:
Renal carnitine transport defect (CDSP). Also called: Systemic primary carnitine deficiency disease; CARNITINE DEFICIENCY, SYSTEMIC, DUE TO DEFECT IN RENAL REABSORPTION OF CARNITINE; CARNITINE TRANSPORTER, PLASMA-MEMBRANE, DEFICIENCY OF; CARNITINE UPTAKE DEFECT; Systemic primary carnitine deficiency; Carnitine transporter deficiency. Identifiers: Orphanet 158, MedGen C0342788, MONDO:0008919, OMIM 212140.

Allele frequency attached by ClinVar (database versions not stated): gnomAD 0.00001; ExAC 0.00002; TOPMed 0.00002.
gnomAD v4.1: 25 of 1,614,026 alleles (0.0015%); highest among the groups gnomAD compares: South Asian, 0.024%; no homozygotes.

Submissions (2):

Giacomini Lab, University of California, San Francisco
Classification: Uncertain significance for Renal carnitine transport defect. Last evaluated: 2022-10-03. Review status: criteria provided, single submitter. Criteria: ACMG Guidelines, 2015. Collection method: research, in vitro. Allele origin: germline, not applicable.

Labcorp Genetics (formerly Invitae), Labcorp
Classification: Uncertain significance for Renal carnitine transport defect. Last evaluated: 2022-05-29. Review status: criteria provided, single submitter. Criteria: Invitae Variant Classification Sherloc (09022015). Collection method: clinical testing. Allele origin: germline.
Comment: This sequence change replaces arginine, which is basic and polar, with glutamine, which is neutral and polar, at codon 289 of the SLC22A5 protein (p.Arg289Gln). This variant is present in population databases (rs756260416, gnomAD 0.02%). This variant has not been reported in the literature in individuals affected with SLC22A5-related conditions. Advanced modeling of protein sequence and biophysical properties (such as structural, functional, and spatial information, amino acid conservation, physicochemical variation, residue mobility, and thermodynamic stability) performed at Invitae indicates that this missense variant is expected to disrupt SLC22A5 protein function. In summary, the available evidence is currently insufficient to determine the role of this variant in disease. Therefore, it has been classified as a Variant of Uncertain Significance.